The following is an entry in ClinVar:

NM_031372.4(HNRNPDL):c.397G>A (p.Ala133Thr)

Gene: HNRNPDL (heterogeneous nuclear ribonucleoprotein D like; minus strand). Cytogenetic location: 4q21.22.
Variant type: single nucleotide variant.
Coding change: c.397G>A on transcript NM_031372.4 (MANE Select); coding-DNA position 397, G replaced by A.
Protein change: p.Ala133Thr; replaces alanine 133 with threonine.
Molecular consequence: missense variant. On other transcripts: non-coding transcript variant (1).
Genome position (GRCh38, 1-based): chr4:82,429,294, C>T on the plus strand (G>A on the coding strand, the complement: HNRNPDL is on the minus strand). VCF-style: chr4-82429294-C-T. GRCh37 (hg19) VCF-style: chr4-83350447-C-T.
Other names: c.397G>A (NM_031372.3); c.397G>A, p.Ala133Thr (NM_001207000.1); short protein forms A133T.
Identifiers: ClinVar variation 1063649 (VCV001063649.12), dbSNP rs1037537699, ClinGen allele CA100598537.

ClinVar aggregate classification (germline): Uncertain significance. Review status: criteria provided, multiple submitters, no conflicts (2 of 4 stars). 3 submissions from 3 submitters: Uncertain significance (3). Last evaluated 2024-05-23.

Conditions:
Autosomal dominant limb-girdle muscular dystrophy type 1G (LGMDD3). Also called: Limb-girdle muscular dystrophy, type 1G; MUSCULAR DYSTROPHY, LIMB-GIRDLE, AUTOSOMAL DOMINANT 3. Identifiers: Orphanet 55596, MedGen C1836765, MONDO:0012193, OMIM 609115.

Allele frequency attached by ClinVar (database versions not stated): gnomAD exomes 0.00001.
gnomAD v4.1: 10 of 1,613,700 alleles (0.00062%); highest among the groups gnomAD compares: Admixed American, 0.0067%; no homozygotes.

Submissions (3):

Labcorp Genetics (formerly Invitae), Labcorp
Classification: Uncertain significance for Autosomal dominant limb-girdle muscular dystrophy type 1G. Last evaluated: 2024-05-23. Review status: criteria provided, single submitter. Criteria: Invitae Variant Classification Sherloc (09022015). Collection method: clinical testing. Allele origin: germline.
Comment: This sequence change replaces alanine, which is neutral and non-polar, with threonine, which is neutral and polar, at codon 133 of the HNRNPDL protein (p.Ala133Thr). This variant is present in population databases (no rsID available, gnomAD 0.006%). This variant has not been reported in the literature in individuals affected with HNRNPDL-related conditions. ClinVar contains an entry for this variant (Variation ID: 1063649). An algorithm developed to predict the effect of missense changes on protein structure and function (PolyPhen-2) suggests that this variant is likely to be tolerated. In summary, the available evidence is currently insufficient to determine the role of this variant in disease. Therefore, it has been classified as a Variant of Uncertain Significance.

Ambry Genetics
Classification: Uncertain significance. Last evaluated: 2021-12-06. Review status: criteria provided, single submitter. Criteria: Ambry Variant Classification Scheme 2023. Collection method: clinical testing. Allele origin: germline.

Revvity Omics, Revvity
Classification: Uncertain significance for Autosomal dominant limb-girdle muscular dystrophy type 1G. Last evaluated: 2019-10-30. Review status: criteria provided, single submitter. Criteria: ACMG Guidelines, 2015. Collection method: clinical testing. Allele origin: germline.